The following is an entry in ClinVar:

ClinVar aggregate classification (germline): Uncertain significance (1 of 4 stars; one submission).

Allele frequency attached by ClinVar (database versions not stated): gnomAD 0.00001; TOPMed 0.00001.

Submission:

Labcorp Genetics (formerly Invitae), Labcorp
Classification: Uncertain significance. Last evaluated: 2022-10-06. Review status: criteria provided, single submitter. Criteria: Invitae Variant Classification Sherloc (09022015). Collection method: clinical testing. Allele origin: germline.
Comment: This sequence change replaces glycine, which is neutral and non-polar, with serine, which is neutral and polar, at codon 530 of the FAT4 protein (p.Gly530Ser). This variant is not present in population databases (gnomAD no frequency). This variant has not been reported in the literature in individuals affected with FAT4-related conditions. Advanced modeling of protein sequence and biophysical properties (such as structural, functional, and spatial information, amino acid conservation, physicochemical variation, residue mobility, and thermodynamic stability) performed at Invitae indicates that this missense variant is expected to disrupt FAT4 protein function. In summary, the available evidence is currently insufficient to determine the role of this variant in disease. Therefore, it has been classified as a Variant of Uncertain Significance.

NM_001291303.3(FAT4):c.1588G>A (p.Gly530Ser)

Gene: FAT4 (FAT atypical cadherin 4; plus strand). Cytogenetic location: 4q28.1.
Variant type: single nucleotide variant.
Coding change: c.1588G>A on transcript NM_001291303.3 (MANE Select); coding-DNA position 1588, G replaced by A.
Protein change: p.Gly530Ser; replaces glycine 530 with serine.
Molecular consequence: missense variant.
Genome position (GRCh38, 1-based): chr4:125,317,999, G>A. VCF-style: chr4-125317999-G-A. GRCh37 (hg19) VCF-style: chr4-126239154-G-A.
Other names: c.1588G>A, p.Gly530Ser (NM_001291285.3, NM_024582.6); short protein forms G530S.
Identifiers: ClinVar variation 2090827 (VCV002090827.4), dbSNP rs1383303848, ClinGen allele CA358118230.